The following is an entry in ClinVar:

NM_205768.3(ZBTB18):c.1241C>A (p.Ala414Asp)

Gene: ZBTB18 (zinc finger and BTB domain containing 18; plus strand). Cytogenetic location: 1q44.
Variant type: single nucleotide variant.
Coding change: c.1241C>A on transcript NM_205768.3 (MANE Select); coding-DNA position 1241, C replaced by A.
Protein change: p.Ala414Asp; replaces alanine 414 with aspartic acid.
Molecular consequence: missense variant. On other transcripts: 3 prime UTR variant (1).
Genome position (GRCh38, 1-based): chr1:244,055,015, C>A. VCF-style: chr1-244055015-C-A. GRCh37 (hg19) VCF-style: chr1-244218317-C-A.
Other names: c.1214C>A, p.Ala405Asp (NM_001278196.2, NM_006352.5); c.*418C>A (NM_001421566.1); short protein forms A405D, A414D.
Identifiers: ClinVar variation 3630704 (VCV003630704.2).

ClinVar aggregate classification (germline): Uncertain significance (1 of 4 stars; one submission).

Submission:

Labcorp Genetics (formerly Invitae), Labcorp
Classification: Uncertain significance. Last evaluated: 2024-04-10. Review status: criteria provided, single submitter. Criteria: Invitae Variant Classification Sherloc (09022015). Collection method: clinical testing. Allele origin: germline.
Comment: This sequence change replaces alanine, which is neutral and non-polar, with aspartic acid, which is acidic and polar, at codon 414 of the ZBTB18 protein (p.Ala414Asp). This variant is not present in population databases (gnomAD no frequency). This variant has not been reported in the literature in individuals affected with ZBTB18-related conditions. Advanced modeling of protein sequence and biophysical properties (such as structural, functional, and spatial information, amino acid conservation, physicochemical variation, residue mobility, and thermodynamic stability) performed at Invitae indicates that this missense variant is not expected to disrupt ZBTB18 protein function with a negative predictive value of 95%. In summary, the available evidence is currently insufficient to determine the role of this variant in disease. Therefore, it has been classified as a Variant of Uncertain Significance.